The following is an entry in ClinVar:

ClinVar aggregate classification (germline): Uncertain significance (1 of 4 stars; one submission).

Submission:

Ambry Genetics
Classification: Uncertain significance. Last evaluated: 2026-01-12. Review status: criteria provided, single submitter. Criteria: Ambry Variant Classification Scheme 2023. Collection method: clinical testing. Allele origin: germline.
Comment: The p.E731V variant (also known as c.2192A>T), located in coding exon 13 of the GEN1 gene, results from an A to T substitution at nucleotide position 2192. The glutamic acid at codon 731 is replaced by valine, an amino acid with dissimilar properties. This amino acid position is conserved. In addition, this alteration is predicted to be tolerated by in silico analysis. Based on the available evidence, the clinical significance of this variant remains unclear.

NM_001130009.3(GEN1):c.2192A>T (p.Glu731Val)

Gene: GEN1 (GEN1 structure-specific endonuclease; plus strand). Cytogenetic location: 2p24.2.
Variant type: single nucleotide variant.
Coding change: c.2192A>T on transcript NM_001130009.3 (MANE Select); coding-DNA position 2192, A replaced by T.
Protein change: p.Glu731Val; replaces glutamic acid 731 with valine.
Molecular consequence: missense variant.
Genome position (GRCh38, 1-based): chr2:17,781,404, A>T. VCF-style: chr2-17781404-A-T. GRCh37 (hg19) VCF-style: chr2-17962671-A-T.
Other names: c.2192A>T, p.Glu731Val (NM_182625.5); short protein forms E731V.
Identifiers: ClinVar variation 4842209 (VCV004842209.1).